The following is an entry in ClinVar:

ClinVar aggregate classification (germline): Uncertain significance. Review status: criteria provided, multiple submitters, no conflicts (2 of 4 stars). 2 submissions from 2 submitters: Uncertain significance (2). Last evaluated 2025-10-26.

Conditions:
Thyroid dyshormonogenesis 6 (TDH6). Also called: Genetic transient congenital hypothyroidism; THYROID HORMONOGENESIS, GENETIC DEFECT IN, 6; HYPOTHYROIDISM, CONGENITAL, DUE TO DYSHORMONOGENESIS, 6. Identifiers: Orphanet 226316, Orphanet 95716, MedGen C1846632, MONDO:0011792, OMIM 607200.

Allele frequency attached by ClinVar (database versions not stated): gnomAD 0.00001; gnomAD exomes 0.00001.
gnomAD v4.1: 5 of 1,613,276 alleles (0.00031%); highest among the groups gnomAD compares: Admixed American, 0.0083%; no homozygotes.

Submissions (2):

Labcorp Genetics (formerly Invitae), Labcorp
Classification: Uncertain significance. Last evaluated: 2025-10-26. Review status: criteria provided, single submitter. Criteria: Invitae Variant Classification Sherloc (09022015). Collection method: clinical testing. Allele origin: germline.
Comment: This sequence change replaces tyrosine, which is neutral and polar, with histidine, which is basic and polar, at codon 1315 of the DUOX2 protein (p.Tyr1315His). This variant is not present in population databases (gnomAD no frequency). This variant has not been reported in the literature in individuals affected with DUOX2-related conditions. ClinVar contains an entry for this variant (Variation ID: 1445879). Invitae Evidence Modeling of protein sequence and biophysical properties (such as structural, functional, and spatial information, amino acid conservation, physicochemical variation, residue mobility, and thermodynamic stability) indicates that this missense variant is expected to disrupt DUOX2 protein function with a positive predictive value of 80%. In summary, the available evidence is currently insufficient to determine the role of this variant in disease. Therefore, it has been classified as a Variant of Uncertain Significance.

Laboratorio de Genetica e Diagnostico Molecular, Hospital Israelita Albert Einstein
Classification: Uncertain significance for Thyroid dyshormonogenesis 6. Last evaluated: 2025-02-07. Review status: criteria provided, single submitter. Criteria: ACMG Guidelines, 2015. Collection method: clinical testing. Allele origin: germline. Affected: yes.
Comment: ACMG classification criteria: PM2 supporting, PP3 supporting

NM_001363711.2(DUOX2):c.3943T>C (p.Tyr1315His)

Gene: DUOX2 (dual oxidase 2; minus strand). Cytogenetic location: 15q21.1.
Variant type: single nucleotide variant.
Coding change: c.3943T>C on transcript NM_001363711.2 (MANE Select); coding-DNA position 3943, T replaced by C.
Protein change: p.Tyr1315His; replaces tyrosine 1315 with histidine.
Molecular consequence: missense variant.
Genome position (GRCh38, 1-based): chr15:45,095,965, A>G on the plus strand (T>C on the coding strand, the complement: DUOX2 is on the minus strand). VCF-style: chr15-45095965-A-G. GRCh37 (hg19) VCF-style: chr15-45388163-A-G.
Other names: c.3943T>C, p.Tyr1315His (NM_014080.5); short protein forms Y1315H.
Identifiers: ClinVar variation 1445879 (VCV001445879.9), dbSNP rs1893890354, ClinGen allele CA392253786.